The following is an entry in ClinVar:

ClinVar aggregate classification (germline): Uncertain significance (1 of 4 stars; one submission).

Conditions:
Intellectual developmental disorder, autosomal recessive 37. Also called: Intellectual disability-hypotonia-spasticity-sleep disorder syndrome. Identifiers: Orphanet 356996, MedGen C3809672, MONDO:0014210, OMIM 615493.

Submission:

Clinical Genomics Laboratory, Washington University in St. Louis
Classification: Uncertain significance for Intellectual developmental disorder, autosomal recessive 37. Last evaluated: 2024-06-21. Review status: criteria provided, single submitter. Criteria: ACMG Guidelines, 2015. Collection method: clinical testing. Allele origin: germline.
Comment: The ANK3 c.10392del (p.Glu3465Lysfs*60) variant, to our knowledge, has not been reported in the medical literature. This variant causes a frameshift by deleting a single nucleotide in exon 37 of the largest ANK3 isoform 1 (480 kDa), leading to a premature termination codon, which is predicted to result in nonsense mediated decay. This variant is absent from the general population (gnomAD v.2.1.1), indicating it is not a common variant. Due to significant transcriptional complexity of this locus (Holmgren A et al., PMID: 35091539), it is unclear whether this single variant results in complete/sufficient loss of ANK3 function to be clinically significant. Based on available information and the ACMG/AMP guidelines for variant interpretation (Richards S et al., PMID: 25741868), this variant is classified as variant of uncertain significance. Please note that the possibility of an additional clinically significant variant not detected by this test cannot be entirely excluded. Clinical correlation is advised.

NM_020987.5(ANK3):c.10392del (p.Glu3465fs)

Gene: ANK3 (ankyrin 3; minus strand). Cytogenetic location: 10q21.2.
Variant type: Deletion.
Coding change: c.10392del on transcript NM_020987.5 (MANE Select); coding-DNA position 10392, one base deleted (T; older notation c.10392delT).
Protein change: p.Glu3465fs; shifts the reading frame from glutamic acid 3465.
Molecular consequence: frameshift variant. On other transcripts: intron variant (4).
Genome position (GRCh38, 1-based): chr10:60,070,489, A deleted on the plus strand (T on the coding strand, the reverse complement: ANK3 is on the minus strand); the first of 2 consecutive A bases (chr10:60,070,489-60,070,490); deleting either gives the same sequence. VCF-style (leftmost placement, unchanged base first): chr10-60070488-CA-C. GRCh37 (hg19) VCF-style: chr10-61830246-CA-C.
Other names: c.4388-2480del (NM_001204403.2); c.4409-2480del (NM_001204404.2); c.4406-2480del (NM_001320874.2); c.1808-2480del (NM_001149.4); short protein forms E3465fs.
Identifiers: ClinVar variation 3600512 (VCV003600512.1).